The following is an entry in ClinVar:

NM_032043.3(BRIP1):c.594A>T (p.Pro198=)

Gene: BRIP1 (BRCA1 interacting DNA helicase 1; minus strand). Cytogenetic location: 17q23.2.
Variant type: single nucleotide variant.
Coding change: c.594A>T on transcript NM_032043.3 (MANE Select); coding-DNA position 594, A replaced by T.
Protein change: p.Pro198=; no amino-acid change (proline 198 retained).
Molecular consequence: synonymous variant.
Genome position (GRCh38, 1-based): chr17:61,847,134, T>A on the plus strand (A>T on the coding strand, the complement: BRIP1 is on the minus strand). VCF-style: chr17-61847134-T-A. GRCh37 (hg19) VCF-style: chr17-59924495-T-A.
Identifiers: ClinVar variation 3378810 (VCV003378810.1).
Genomic context (GRCh38, chr17:61,847,134, plus strand): 5'-AAACTGAACAATGGCATTAATACATACTTTCTGTGGCGAAAAGGAGTTTATCTTTTCCAG[T>A]GGAGAGTTGAGTTTTACAGTCTTTCCTGAATCAACTTTTGCATCCAAATTGTGTACTTCT-3'
Protein context (NP_114432.2, residues 188-208): DSGKTVKLNS[Pro198=]LEKINSFSPQ

ClinVar aggregate classification (germline): Benign (1 of 4 stars; one submission).

Conditions:
Familial cancer of breast. Also called: hereditary breast carcinoma; Hereditary breast cancer; BREAST CANCER, FAMILIAL. Identifiers: Orphanet 227535, MedGen C0346153, MONDO:0016419, OMIM 114480. Disease mechanism: loss of function.

Submission:

Myriad Genetics, Inc.
Classification: Benign for Familial cancer of breast. Last evaluated: 2024-08-21. Review status: criteria provided, single submitter. Criteria: Myriad Autosomal Dominant, Autosomal Recessive and X-Linked Classification Criteria (2023). Collection method: clinical testing. Allele origin: unknown.
Comment: This variant is considered benign. This variant is a silent/synonymous amino acid change and it is not expected to impact splicing.